The following is an entry in ClinVar:

ClinVar aggregate classification (germline): Likely pathogenic (1 of 4 stars; one submission).

Conditions:
Gastrointestinal stromal tumor. Also called: Gastrointestinal stromal tumor, somatic; Gastrointestinal stroma tumor. Identifiers: Orphanet 44890, MedGen C0238198, MeSH D046152, MONDO:0011719, OMIM 606764, HP:0100723.

Submission:

Labcorp Genetics (formerly Invitae), Labcorp
Classification: Likely pathogenic for Gastrointestinal stromal tumor. Last evaluated: 2026-01-05. Review status: criteria provided, single submitter. Criteria: Invitae Variant Classification Sherloc (09022015). Collection method: clinical testing. Allele origin: germline.
Comment: This sequence change replaces glycine, which is neutral and non-polar, with arginine, which is basic and polar, at codon 601 of the KIT protein (p.Gly601Arg). This variant is not present in population databases (gnomAD no frequency). This missense change has been observed in individuals with clinical features of piebaldism (PMID: 11074500; internal data). It has also been observed to segregate with disease in related individuals. An algorithm developed to predict the effect of missense changes on protein structure and function (PolyPhen-2) suggests that this variant is likely to be disruptive. In summary, the currently available evidence indicates that the variant is pathogenic, but additional data are needed to prove that conclusively. Therefore, this variant has been classified as Likely Pathogenic.

Literature cited by the submitters: PubMed 11074500.

NM_000222.3(KIT):c.1801G>A (p.Gly601Arg)

Gene: KIT (KIT proto-oncogene, receptor tyrosine kinase; plus strand). Cytogenetic location: 4q12.
Variant type: single nucleotide variant.
Coding change: c.1801G>A on transcript NM_000222.3 (MANE Select); coding-DNA position 1801, G replaced by A.
Protein change: p.Gly601Arg; replaces glycine 601 with arginine.
Molecular consequence: missense variant.
Genome position (GRCh38, 1-based): chr4:54,727,849, G>A. VCF-style: chr4-54727849-G-A. GRCh37 (hg19) VCF-style: chr4-55594015-G-A.
Other names: c.1789G>A, p.Gly597Arg (NM_001093772.2, NM_001385286.1); c.1804G>A, p.Gly602Arg (NM_001385284.1, NM_001385290.1); c.1801G>A, p.Gly601Arg (NM_001385285.1); c.1792G>A, p.Gly598Arg (NM_001385288.1, NM_001385292.1); short protein forms G602R, G598R, G601R, G597R.
Identifiers: ClinVar variation 4747396 (VCV004747396.1).